The following is an entry in ClinVar:

NM_001270974.2(HYDIN):c.7347C>T (p.Pro2449=)

Gene: HYDIN (HYDIN axonemal central pair apparatus protein; minus strand). Cytogenetic location: 16q22.2.
Variant type: single nucleotide variant.
Coding change: c.7347C>T on transcript NM_001270974.2 (MANE Select); coding-DNA position 7347, C replaced by T.
Protein change: p.Pro2449=; no amino-acid change (proline 2449 retained).
Molecular consequence: synonymous variant.
Genome position (GRCh38, 1-based): chr16:70,921,029, G>A on the plus strand (C>T on the coding strand, the complement: HYDIN is on the minus strand). VCF-style: chr16-70921029-G-A. GRCh37 (hg19) VCF-style: chr16-70954932-G-A.
Identifiers: ClinVar variation 4872191 (VCV004872191.2).

ClinVar aggregate classification (germline): Likely benign (1 of 4 stars; one submission).

gnomAD v4.1: 34 of 1,606,538 alleles (0.0021%); highest among the groups gnomAD compares: East Asian, 0.0045%; no homozygotes.

Submission:

CeGaT Center for Human Genetics Tuebingen
Classification: Likely benign. Last evaluated: 2026-06-01. Review status: criteria provided, single submitter. Criteria: CeGaT Center For Human Genetics Tuebingen Variant Classification Criteria Version 2. Collection method: clinical testing. Allele origin: germline. Affected: yes. Observed: 1 variant allele.
Comment: HYDIN: BP4, BP7